The following is an entry in ClinVar:

NM_001289104.2(PRKCSH):c.936A>G (p.Thr312=)

Gene: PRKCSH (PRKCSH beta subunit of glucosidase II; plus strand). Cytogenetic location: 19p13.2.
Variant type: single nucleotide variant.
Coding change: c.936A>G on transcript NM_001289104.2 (MANE Select); coding-DNA position 936, A replaced by G.
Protein change: p.Thr312=; no amino-acid change (threonine 312 retained).
Molecular consequence: synonymous variant.
Genome position (GRCh38, 1-based): chr19:11,447,525, A>G. VCF-style: chr19-11447525-A-G. GRCh37 (hg19) VCF-style: chr19-11558340-A-G.
Other names: c.936A>G, p.Thr312= (NM_001001329.3, NM_001289102.2, NM_001289103.2 and 3 more transcripts).
Identifiers: ClinVar variation 2649330 (VCV002649330.27), dbSNP rs1294882349, ClinGen allele CA505749961.

ClinVar aggregate classification (germline): Likely benign. Review status: criteria provided, multiple submitters, no conflicts (2 of 4 stars). 3 submissions from 3 submitters: Likely benign (3). Last evaluated 2025-01-17.

Allele frequency attached by ClinVar (database versions not stated): gnomAD exomes 0.00005; TOPMed 0.00006; gnomAD 0.00008.

Submissions (3):

Labcorp Genetics (formerly Invitae), Labcorp
Classification: Likely benign. Last evaluated: 2025-01-17. Review status: criteria provided, single submitter. Criteria: Invitae Variant Classification Sherloc (09022015). Collection method: clinical testing. Allele origin: germline.

Blueprint Genetics
Classification: Likely benign. Last evaluated: 2024-07-26. Review status: criteria provided, single submitter. Criteria: ACMG Guidelines, 2015. Collection method: clinical testing. Allele origin: germline.

CeGaT Center for Human Genetics Tuebingen
Classification: Likely benign. Last evaluated: 2023-10-01. Review status: criteria provided, single submitter. Criteria: CeGaT Center For Human Genetics Tuebingen Variant Classification Criteria Version 2. Collection method: clinical testing. Allele origin: germline. Affected: yes. Observed: 1 variant allele.
Comment: PRKCSH: BP4, BP7